The following is an entry in ClinVar:

ClinVar aggregate classification (germline): Uncertain significance (1 of 4 stars; one submission).

Submission:

Labcorp Genetics (formerly Invitae), Labcorp
Classification: Uncertain significance. Last evaluated: 2022-10-13. Review status: criteria provided, single submitter. Criteria: Invitae Variant Classification Sherloc (09022015). Collection method: clinical testing. Allele origin: germline.
Comment: In summary, the available evidence is currently insufficient to determine the role of this variant in disease. Therefore, it has been classified as a Variant of Uncertain Significance. This variant is a gross deletion of the genomic region encompassing exon(s) 1-2 of the CEP89 gene, which includes the initiator codon. This deletion extends beyond the assayed region for this gene and therefore may encompass additional genes. It is expected to result in an absent or disrupted protein product. However, the current clinical and genetic evidence is not sufficient to establish whether loss-of-function variants in CEP89 cause disease. This variant has not been reported in the literature in individuals affected with CEP89-related conditions.

NC_000019.9:g.(?_33457246)_(33464488_?)del

Genes: CEP89 (centrosomal protein 89; minus strand), FAAP24 (FA core complex associated protein 24; plus strand). Cytogenetic location: 19q13.11.
Variant type: Deletion.
Identifiers: ClinVar variation 2427072 (VCV002427072.4).